The following is an entry in ClinVar:

ClinVar aggregate classification (germline): Uncertain significance. Review status: criteria provided, multiple submitters, no conflicts (2 of 4 stars). 2 submissions from 2 submitters: Uncertain significance (2). Last evaluated 2024-05-28.

Conditions:
Cystic fibrosis (CF). Also called: MUCOVISCIDOSIS. Identifiers: Orphanet 586, MedGen C0010674, MONDO:0009061, OMIM 219700. Disease mechanism: loss of function.

Allele frequency attached by ClinVar (database versions not stated): gnomAD exomes below 0.00001; TOPMed below 0.00001; ExAC 0.00001.
gnomAD v4.1: 1 of 1,614,042 alleles (0.000062%); highest among the groups gnomAD compares: Non-Finnish European, 0.000085%; no homozygotes.

Submissions (2):

Ambry Genetics
Classification: Uncertain significance for Cystic fibrosis. Last evaluated: 2024-05-28. Review status: criteria provided, single submitter. Criteria: Ambry Variant Classification Scheme 2023. Collection method: clinical testing. Allele origin: germline.
Comment: The p.N703I variant (also known as c.2108A>T), located in coding exon 14 of the CFTR gene, results from an A to T substitution at nucleotide position 2108. The asparagine at codon 703 is replaced by isoleucine, an amino acid with dissimilar properties. This amino acid position is well conserved in available vertebrate species. In addition, the in silico prediction for this alteration is inconclusive. Based on the available evidence, the clinical significance of this variant remains unclear.

Labcorp Genetics (formerly Invitae), Labcorp
Classification: Uncertain significance for Cystic fibrosis. Last evaluated: 2021-12-24. Review status: criteria provided, single submitter. Criteria: Invitae Variant Classification Sherloc (09022015). Collection method: clinical testing. Allele origin: germline.
Comment: This sequence change replaces asparagine, which is neutral and polar, with isoleucine, which is neutral and non-polar, at codon 703 of the CFTR protein (p.Asn703Ile). This variant is present in population databases (rs748664864, gnomAD 0.0009%). This variant has not been reported in the literature in individuals affected with CFTR-related conditions. Algorithms developed to predict the effect of missense changes on protein structure and function are either unavailable or do not agree on the potential impact of this missense change (SIFT: "Deleterious"; PolyPhen-2: "Probably Damaging"; Align-GVGD: "Class C0"). In summary, the available evidence is currently insufficient to determine the role of this variant in disease. Therefore, it has been classified as a Variant of Uncertain Significance.

NM_000492.4(CFTR):c.2108A>T (p.Asn703Ile)

Gene: CFTR (CF transmembrane conductance regulator; plus strand). Cytogenetic location: 7q31.2.
Variant type: single nucleotide variant.
Coding change: c.2108A>T on transcript NM_000492.4 (MANE Select); coding-DNA position 2108, A replaced by T.
Protein change: p.Asn703Ile; replaces asparagine 703 with isoleucine.
Molecular consequence: missense variant.
Genome position (GRCh38, 1-based): chr7:117,592,275, A>T. VCF-style: chr7-117592275-A-T. GRCh37 (hg19) VCF-style: chr7-117232329-A-T.
Other names: short protein forms N703I.
Identifiers: ClinVar variation 2149329 (VCV002149329.2), dbSNP rs748664864, ClinGen allele CA4451140.